The following is an entry in ClinVar:

ClinVar aggregate classification (germline): Benign/Likely benign. Review status: criteria provided, multiple submitters, no conflicts (2 of 4 stars). 4 submissions from 3 submitters: Benign (2); Likely benign (2). Last evaluated 2026-01-04.

Conditions:
Freeman-Sheldon syndrome (DA2A). Also called: CRANIOCARPOTARSAL DYSPLASIA; CRANIOCARPOTARSAL DYSTROPHY; WHISTLING FACE-WINDMILL VANE HAND SYNDROME; Arthrogryposis, distal, type 2A (Freeman-Sheldon). Identifiers: Orphanet 2053, MedGen C0265224, MONDO:0008675, OMIM 193700.
Distal arthrogryposis type 2B1 (DA2B1). Also called: Arthrogryposis multiplex congenita distal type II with craniofacial abnormalities. Identifiers: Orphanet 1147, MedGen C5193014, MONDO:0020820, OMIM 601680.

Allele frequency attached by ClinVar (database versions not stated): gnomAD exomes 0.00021 and 0.00064; gnomAD 0.00022 and 0.00031; TOPMed 0.00030; ExAC 0.00067; 1000 Genomes Project 0.00260; 1000 Genomes Project 30x 0.00281.
gnomAD v4.1: 364 of 1,603,346 alleles (0.023%); highest among the groups gnomAD compares: East Asian, 0.56%; 3 homozygotes.

Submissions (4):

Labcorp Genetics (formerly Invitae), Labcorp
Classification: Benign. Last evaluated: 2026-01-04. Review status: criteria provided, single submitter. Criteria: Invitae Variant Classification Sherloc (09022015). Collection method: clinical testing. Allele origin: germline.

Blueprint Genetics
Classification: Likely benign. Last evaluated: 2024-10-23. Review status: criteria provided, single submitter. Criteria: ACMG Guidelines, 2015. Collection method: clinical testing. Allele origin: germline.

Illumina Laboratory Services, Illumina
Classification: Likely benign for Distal arthrogryposis type 2B1. Last evaluated: 2018-01-13. Review status: criteria provided, single submitter. Criteria: ICSL Variant Classification Criteria 13 December 2019. Collection method: clinical testing. Allele origin: germline.
Comment: This variant was observed in the ICSL laboratory as part of a predisposition screen in an ostensibly healthy population. It had not been previously curated by ICSL or reported in the Human Gene Mutation Database (HGMD: prior to June 1st, 2018), and was therefore a candidate for classification through an automated scoring system. Utilizing variant allele frequency, disease prevalence and penetrance estimates, and inheritance mode, an automated score was calculated to assess if this variant is too frequent to cause the disease. Based on the score and internal cut-off values, a variant classified as likely benign is not then subjected to further curation. The score for this variant resulted in a classification of likely benign for this disease.

Illumina Laboratory Services, Illumina
Classification: Benign for Freeman-Sheldon syndrome. Last evaluated: 2018-01-13. Review status: criteria provided, single submitter. Criteria: ICSL Variant Classification Criteria 13 December 2019. Collection method: clinical testing. Allele origin: germline.
Comment: This variant was observed in the ICSL laboratory as part of a predisposition screen in an ostensibly healthy population. It had not been previously curated by ICSL or reported in the Human Gene Mutation Database (HGMD: prior to June 1st, 2018), and was therefore a candidate for classification through an automated scoring system. Utilizing variant allele frequency, disease prevalence and penetrance estimates, and inheritance mode, an automated score was calculated to assess if this variant is too frequent to cause the disease. Based on the score and internal cut-off values, a variant classified as benign is not then subjected to further curation. The score for this variant resulted in a classification of benign for this disease.

NM_002470.4(MYH3):c.3389G>A (p.Arg1130His)

Gene: MYH3 (myosin heavy chain 3; minus strand). Cytogenetic location: 17p13.1.
Variant type: single nucleotide variant.
Coding change: c.3389G>A on transcript NM_002470.4 (MANE Select); coding-DNA position 3389, G replaced by A.
Protein change: p.Arg1130His; replaces arginine 1130 with histidine.
Molecular consequence: missense variant.
Genome position (GRCh38, 1-based): chr17:10,638,383, C>T on the plus strand (G>A on the coding strand, the complement: MYH3 is on the minus strand). VCF-style: chr17-10638383-C-T. GRCh37 (hg19) VCF-style: chr17-10541700-C-T.
Other names: short protein forms R1130H.
Identifiers: ClinVar variation 705035 (VCV000705035.13), dbSNP rs184919169, ClinGen allele CA8392534.
Genomic context (GRCh38, chr17:10,638,383, plus strand): 5'-CGCTCGCTCAGCTCCTCCAGCTCCCGGGCATAGTCGCTGCGCTGTTTCTCTGTCTTCGCG[C>T]GGGTGGCCCTCTCCGCCTCTATCTCCTCTTCCAGCTCCTCAATTCGAGCCTGTGGAGGGC-3'
Protein context (NP_002461.2, residues 1120-1140): EEEIEAERAT[Arg1130His]AKTEKQRSDY